The following is an entry in ClinVar:

NM_000051.4(ATM):c.434_437del (p.Leu145fs)

Gene: ATM (ATM serine/threonine kinase; plus strand). Cytogenetic location: 11q22.3.
Variant type: Deletion.
Coding change: c.434_437del on transcript NM_000051.4 (MANE Select); coding-DNA positions 434 to 437, 4 bases deleted (TACT; older notation c.434_437delTACT).
Protein change: p.Leu145fs; shifts the reading frame from leucine 145.
Molecular consequence: frameshift variant.
Genome position (GRCh38, 1-based): chr11:108,235,772-108,235,775, TACT deleted. VCF-style (leftmost placement, unchanged base first): chr11-108235771-CTACT-C. GRCh37 (hg19) VCF-style: chr11-108106498-CTACT-C.
Other names: c.434_437del, p.Leu145fs (NM_001351834.2); short protein forms L145fs.
Identifiers: ClinVar variation 3801091 (VCV003801091.1).

ClinVar aggregate classification (germline): Pathogenic (1 of 4 stars; one submission).

Conditions:
Hereditary cancer-predisposing syndrome. Also called: Neoplastic Syndromes, Hereditary; Hereditary Cancer Syndrome; Tumor predisposition; Hereditary neoplastic syndrome. Identifiers: Orphanet 140162, MedGen C0027672, MeSH D009386, MONDO:0015356.

Submission:

Ambry Genetics
Classification: Pathogenic for Hereditary cancer-predisposing syndrome. Last evaluated: 2024-12-23. Review status: criteria provided, single submitter. Criteria: Ambry Variant Classification Scheme 2023. Collection method: clinical testing. Allele origin: germline.
Comment: The c.434_437delTACT pathogenic mutation, located in coding exon 4 of the ATM gene, results from a deletion of 4 nucleotides at nucleotide positions 434 to 437, causing a translational frameshift with a predicted alternate stop codon (p.L145Pfs*7). This variant is considered to be rare based on population cohorts in the Genome Aggregation Database (gnomAD). This alteration is expected to result in loss of function by premature protein truncation or nonsense-mediated mRNA decay. As such, this alteration is interpreted as a disease-causing mutation.